The following is an entry in ClinVar:

ClinVar aggregate classification (germline): Uncertain significance. Review status: criteria provided, multiple submitters, no conflicts (2 of 4 stars). 2 submissions from 2 submitters: Uncertain significance (2). Last evaluated 2024-09-06.

Conditions:
Dyskeratosis congenita, autosomal dominant 2. Identifiers: MedGen C3151443, MONDO:0013521, OMIM 613989.
Idiopathic Pulmonary Fibrosis. Also called: Idiopathic fibrosing alveolitis, chronic form; idiopathic fibrosing alveolitis. Identifiers: Orphanet 2032, MedGen C1800706, MeSH D054990, MONDO:0800504.
Pulmonary fibrosis and/or bone marrow failure, Telomere-related, 1. Also called: PULMONARY FIBROSIS AND/OR BONE MARROW FAILURE SYNDROME, TELOMERE-RELATED, 1. Identifiers: Orphanet 88, MedGen C3553617, MONDO:0013878, OMIM 614742.
Melanoma, cutaneous malignant, susceptibility to, 9. Also called: Cutaneous malignant melanoma 9. Identifiers: Orphanet 618, MedGen C3554574, MONDO:0014056, OMIM 615134.
Acute myeloid leukemia (AML). Also called: Acute myeloid leukemia, adult; AML adult; Acute non-lymphocytic leukemia; Acute granulocytic leukemia; Leukemia, acute myelogenous, somatic; Leukemia, acute myeloid, somatic. Identifiers: Orphanet 519, MedGen C0023467, MeSH D015470, MONDO:0018874, OMIM 601626, HP:0004808. Disease mechanism: Constitutively activated FLT3.

Allele frequency attached by ClinVar (database versions not stated): gnomAD exomes below 0.00001.
gnomAD v4.1: 4 of 1,552,126 alleles (0.00026%); highest among the groups gnomAD compares: Non-Finnish European, 0.00035%; no homozygotes.

Submissions (2):

Labcorp Genetics (formerly Invitae), Labcorp
Classification: Uncertain significance for Dyskeratosis congenita, autosomal dominant 2; Idiopathic Pulmonary Fibrosis. Last evaluated: 2024-09-06. Review status: criteria provided, single submitter. Criteria: Invitae Variant Classification Sherloc (09022015). Collection method: clinical testing. Allele origin: germline.
Comment: This sequence change replaces arginine, which is basic and polar, with glutamine, which is neutral and polar, at codon 669 of the TERT protein (p.Arg669Gln). This variant is not present in population databases (gnomAD no frequency). This missense change has been observed in individual(s) with pulmonary fibrosis (PMID: 28192371). ClinVar contains an entry for this variant (Variation ID: 934039). Invitae Evidence Modeling of protein sequence and biophysical properties (such as structural, functional, and spatial information, amino acid conservation, physicochemical variation, residue mobility, and thermodynamic stability) indicates that this missense variant is expected to disrupt TERT protein function with a positive predictive value of 95%. In summary, the available evidence is currently insufficient to determine the role of this variant in disease. Therefore, it has been classified as a Variant of Uncertain Significance.

Fulgent Genetics
Classification: Uncertain significance for Acute myeloid leukemia; Dyskeratosis congenita, autosomal dominant 2; Pulmonary fibrosis and/or bone marrow failure, Telomere-related, 1; Melanoma, cutaneous malignant, susceptibility to, 9. Last evaluated: 2024-01-17. Review status: criteria provided, single submitter. Criteria: ACMG Guidelines, 2015. Collection method: clinical testing. Allele origin: germline.

Literature cited by the submitters: PubMed 28192371 (cited by Labcorp Genetics (formerly Invitae), Labcorp).

NM_198253.3(TERT):c.2006G>A (p.Arg669Gln)

Gene: TERT (telomerase reverse transcriptase; minus strand). Cytogenetic location: 5p15.33.
Variant type: single nucleotide variant.
Coding change: c.2006G>A on transcript NM_198253.3 (MANE Select); coding-DNA position 2006, G replaced by A.
Protein change: p.Arg669Gln; replaces arginine 669 with glutamine.
Molecular consequence: missense variant. On other transcripts: non-coding transcript variant (2).
Genome position (GRCh38, 1-based): chr5:1,279,415, C>T on the plus strand (G>A on the coding strand, the complement: TERT is on the minus strand). VCF-style: chr5-1279415-C-T. GRCh37 (hg19) VCF-style: chr5-1279530-C-T.
Other names: c.2006G>A, p.Arg669Gln (NM_001193376.3); short protein forms R669Q.
Identifiers: ClinVar variation 934039 (VCV000934039.10), dbSNP rs1749858434, ClinGen allele CA359080707.
Genomic context (GRCh38, chr5:1,279,415, plus strand): 5'-GCCCTGTGGATATCGTCCAGGCCCAGCACAGAGGCGCCCAGGAGGCCGGGGCGCCGCGCC[C>T]GCTCGTAGTTGAGCACGCTGAACAGTGCCTTCACCCTCGAGGTGAGACGCTCGGCCTGGC-3'
Protein context (NP_937983.2, residues 659-679): KALFSVLNYE[Arg669Gln]ARRPGLLGAS